The following is an entry in ClinVar:

NM_017671.5(FERMT1):c.1139+852_1139+855del

Gene: FERMT1 (FERM domain containing kindlin 1; minus strand). Cytogenetic location: 20p12.3.
Variant type: Microsatellite.
Coding change: c.1139+852_1139+855del on transcript NM_017671.5 (MANE Select); bases 852 to 855 of the intron after coding-DNA position 1139, 4 bases deleted (ACAA; older notation c.1139+852_1139+855delACAA).
Molecular consequence: intron variant.
Genome position (GRCh38, 1-based): chr20:6,094,084-6,094,087, TTGT deleted on the plus strand (ACAA on the coding strand, the reverse complement: FERMT1 is on the minus strand); deleting any 4 consecutive bases within chr20:6,094,084-6,094,091 gives the same sequence; the c. name uses the placement nearest the transcript's 3' end. VCF-style (leftmost placement, unchanged base first): chr20-6094083-CTTGT-C. GRCh37 (hg19) VCF-style: chr20-6074730-CTTGT-C.
Identifiers: ClinVar variation 4813954 (VCV004813954.1).

ClinVar aggregate classification (germline): Likely benign (1 of 4 stars; one submission).

Submission:

GeneDx
Classification: Likely benign. Last evaluated: 2021-05-12. Review status: criteria provided, single submitter. Criteria: GeneDx Variant Classification Process June 2021. Collection method: clinical testing. Allele origin: germline. Affected: yes.
Comment: See Variant Classification Assertion Criteria.